The following is an entry in ClinVar:

NM_012448.4(STAT5B):c.13A>T (p.Ile5Leu)

Gene: STAT5B (signal transducer and activator of transcription 5B; minus strand). Cytogenetic location: 17q21.2.
Variant type: single nucleotide variant.
Coding change: c.13A>T on transcript NM_012448.4 (MANE Select); coding-DNA position 13, A replaced by T.
Protein change: p.Ile5Leu; replaces isoleucine 5 with leucine.
Molecular consequence: missense variant.
Genome position (GRCh38, 1-based): chr17:42,232,115, T>A on the plus strand (A>T on the coding strand, the complement: STAT5B is on the minus strand). VCF-style: chr17-42232115-T-A. GRCh37 (hg19) VCF-style: chr17-40384133-T-A.
Other names: short protein forms I5L.
Identifiers: ClinVar variation 934489 (VCV000934489.27), dbSNP rs376041480, ClinGen allele CA8574377.

ClinVar aggregate classification (germline): Uncertain significance. Review status: criteria provided, multiple submitters, no conflicts (2 of 4 stars). 2 submissions from 2 submitters: Uncertain significance (2). Last evaluated 2025-01-15.

Conditions:
Growth hormone insensitivity with immune dysregulation 1, autosomal recessive. Also called: Laron syndrome with immunodeficiency; GROWTH HORMONE INSENSITIVITY DUE TO POSTRECEPTOR DEFECT; LARON SYNDROME DUE TO POSTRECEPTOR DEFECT; GROWTH HORMONE INSENSITIVITY SYNDROME WITH IMMUNE DYSREGULATION 1, AUTOSOMAL RECESSIVE. Identifiers: Orphanet 220465, MedGen C5435698, MONDO:0100211, OMIM 245590.

Allele frequency attached by ClinVar (database versions not stated): gnomAD exomes 0.00001 and 0.00003; ExAC 0.00003; ESP Exome Variant Server 0.00008; gnomAD 0.00013 and 0.00014; 1000 Genomes Project 30x 0.00016; TOPMed 0.00016; 1000 Genomes Project 0.00020.
gnomAD v4.1: 34 of 1,614,156 alleles (0.0021%); highest among the groups gnomAD compares: African/African-American, 0.044%; no homozygotes.

Submissions (2):

Labcorp Genetics (formerly Invitae), Labcorp
Classification: Uncertain significance for Growth hormone insensitivity with immune dysregulation 1, autosomal recessive. Last evaluated: 2025-01-15. Review status: criteria provided, single submitter. Criteria: Invitae Variant Classification Sherloc (09022015). Collection method: clinical testing. Allele origin: germline.
Comment: This sequence change replaces isoleucine, which is neutral and non-polar, with leucine, which is neutral and non-polar, at codon 5 of the STAT5B protein (p.Ile5Leu). This variant is present in population databases (rs376041480, gnomAD 0.05%). This variant has not been reported in the literature in individuals affected with STAT5B-related conditions. ClinVar contains an entry for this variant (Variation ID: 934489). Invitae Evidence Modeling of protein sequence and biophysical properties (such as structural, functional, and spatial information, amino acid conservation, physicochemical variation, residue mobility, and thermodynamic stability) indicates that this missense variant is not expected to disrupt STAT5B protein function with a negative predictive value of 80%. In summary, the available evidence is currently insufficient to determine the role of this variant in disease. Therefore, it has been classified as a Variant of Uncertain Significance.

CeGaT Center for Human Genetics Tuebingen
Classification: Uncertain significance. Last evaluated: 2024-07-01. Review status: criteria provided, single submitter. Criteria: CeGaT Center For Human Genetics Tuebingen Variant Classification Criteria Version 2. Collection method: clinical testing. Allele origin: germline. Affected: yes. Observed: 1 variant allele.
Comment: STAT5B: PM2